The following is an entry in ClinVar:

NM_004360.5(CDH1):c.2164+6T>C

Gene: CDH1 (cadherin 1; plus strand). Cytogenetic location: 16q22.1.
Variant type: single nucleotide variant.
Coding change: c.2164+6T>C on transcript NM_004360.5 (MANE Select); 6 bases into the intron after coding-DNA position 2164, T replaced by C.
Molecular consequence: intron variant.
Genome position (GRCh38, 1-based): chr16:68,823,632, T>C. VCF-style: chr16-68823632-T-C. GRCh37 (hg19) VCF-style: chr16-68857535-T-C.
Other names: c.616+6T>C (NM_001317185.2); c.199+6T>C (NM_001317186.2); c.1981+6T>C (NM_001317184.2).
Identifiers: ClinVar variation 924562 (VCV000924562.3), dbSNP rs1961238734, ClinGen allele CA1139664768.

ClinVar aggregate classification (germline): Uncertain significance (1 of 4 stars; one submission).

Conditions:
Hereditary cancer-predisposing syndrome. Also called: Neoplastic Syndromes, Hereditary; Tumor predisposition; Hereditary Cancer Syndrome; Hereditary neoplastic syndrome. Identifiers: Orphanet 140162, MedGen C0027672, MeSH D009386, MONDO:0015356.

Submission:

Color Diagnostics, LLC DBA Color Health
Classification: Uncertain significance for Hereditary cancer-predisposing syndrome. Last evaluated: 2019-12-23. Review status: criteria provided, single submitter. Criteria: ACMG Guidelines, 2015. Collection method: clinical testing. Allele origin: germline.
Comment: This variant causes a T>C nucleotide substitution at the +6 position of intron 13 of the CDH1 gene. To our knowledge, functional studies have not been performed for this variant. Splice site prediction tools are inconclusive regarding the impact of this variant on RNA splicing. This variant has not been reported in individuals affected with hereditary cancer in the literature. This variant has not been identified in the general population by the Genome Aggregation Database (gnomAD). The available evidence is insufficient to determine the role of this variant in disease conclusively. Therefore, this variant is classified as a Variant of Uncertain Significance.